The following is an entry in ClinVar:

NM_001605.3(AARS1):c.1243T>A (p.Tyr415Asn)

Gene: AARS1 (alanyl-tRNA synthetase 1; minus strand). Cytogenetic location: 16q22.1.
Variant type: single nucleotide variant.
Coding change: c.1243T>A on transcript NM_001605.3 (MANE Select); coding-DNA position 1243, T replaced by A.
Protein change: p.Tyr415Asn; replaces tyrosine 415 with asparagine.
Molecular consequence: missense variant.
Genome position (GRCh38, 1-based): chr16:70,265,642, A>T on the plus strand (T>A on the coding strand, the complement: AARS1 is on the minus strand). VCF-style: chr16-70265642-A-T. GRCh37 (hg19) VCF-style: chr16-70299545-A-T.
Other names: short protein forms Y415N.
Identifiers: ClinVar variation 1800161 (VCV001800161.5), dbSNP rs2507009675, ClinGen allele CA396562266.
Genomic context (GRCh38, chr16:70,265,642, plus strand): 5'-CCAGGCCCTTCTCTTCAGCAATCAGTCCAGTCAGATCCACTGGAAACCCATAGGTGTCAT[A>T]GAGGAGCCAAGCAGTGTCTCCTACACAGCACAAAGGAGGTGTGTCAAAAAAAACAGACAG-3'
Protein context (NP_001596.2, residues 405-425): TIPGDTAWLL[Tyr415Asn]DTYGFPVDLT

ClinVar aggregate classification (germline): Uncertain significance. Review status: criteria provided, multiple submitters, no conflicts (2 of 4 stars). 2 submissions from 2 submitters: Uncertain significance (2). Last evaluated 2023-09-12.

Conditions:
Charcot-Marie-Tooth disease type 2. Also called: Charcot-Marie-Tooth type 2. Identifiers: Orphanet 64746, MedGen C0270914, MONDO:0018993.
Inborn genetic diseases. Identifiers: MedGen C0950123, MeSH D030342.

gnomAD v4.1: 1 of 1,613,954 alleles (0.000062%); highest among the groups gnomAD compares: Non-Finnish European, 0.000085%; no homozygotes.

Submissions (2):

Labcorp Genetics (formerly Invitae), Labcorp
Classification: Uncertain significance for Charcot-Marie-Tooth disease type 2. Last evaluated: 2023-09-12. Review status: criteria provided, single submitter. Criteria: Invitae Variant Classification Sherloc (09022015). Collection method: clinical testing. Allele origin: germline.
Comment: Advanced modeling of protein sequence and biophysical properties (such as structural, functional, and spatial information, amino acid conservation, physicochemical variation, residue mobility, and thermodynamic stability) has been performed at Invitae for this missense variant, however the output from this modeling did not meet the statistical confidence thresholds required to predict the impact of this variant on AARS protein function. ClinVar contains an entry for this variant (Variation ID: 1800161). This variant has not been reported in the literature in individuals affected with AARS-related conditions. This variant is not present in population databases (gnomAD no frequency). This sequence change replaces tyrosine, which is neutral and polar, with asparagine, which is neutral and polar, at codon 415 of the AARS protein (p.Tyr415Asn). In summary, the available evidence is currently insufficient to determine the role of this variant in disease. Therefore, it has been classified as a Variant of Uncertain Significance.

Ambry Genetics
Classification: Uncertain significance for Inborn genetic diseases. Last evaluated: 2020-02-03. Review status: criteria provided, single submitter. Criteria: Ambry Variant Classification Scheme 2023. Collection method: clinical testing. Allele origin: germline.
Comment: The p.Y415N variant (also known as c.1243T>A), located in coding exon 9 of the AARS gene, results from a T to A substitution at nucleotide position 1243. The tyrosine at codon 415 is replaced by asparagine, an amino acid with dissimilar properties. This amino acid position is highly conserved in available vertebrate species. In addition, this alteration is predicted to be deleterious by in silico analysis. Since supporting evidence is limited at this time, the clinical significance of this alteration remains unclear.